The following is an entry in ClinVar:

NM_000049.4(ASPA):c.827_828del (p.Cys276fs)

Genes: ASPA (aspartoacylase; plus strand), SPATA22 (spermatogenesis associated 22; minus strand). Cytogenetic location: 17p13.2.
Variant type: Deletion.
Coding change: c.827_828del on transcript NM_000049.4 (MANE Select); coding-DNA positions 827 to 828, 2 bases deleted (GT; older notation c.827_828delGT).
Protein change: p.Cys276fs; shifts the reading frame from cysteine 276.
Molecular consequence: frameshift variant. On other transcripts: intron variant (2).
Genome position (GRCh38, 1-based): chr17:3,498,973-3,498,974, GT deleted; deleting any 2 consecutive bases within chr17:3,498,972-3,498,974 gives the same sequence; the c. name uses the placement nearest the transcript's 3' end. VCF-style (leftmost placement, unchanged base first): chr17-3498971-CTG-C. GRCh37 (hg19) VCF-style: chr17-3402265-CTG-C.
Other names: c.827_828del, p.Cys276fs (NM_001128085.1); c.-74+14439_-74+14440del (NM_001321336.2, NM_001321337.2); short protein forms C276fs.
Identifiers: ClinVar variation 371202 (VCV000371202.12), dbSNP rs1057517085, ClinGen allele CA16041829.

ClinVar aggregate classification (germline): Pathogenic/Likely pathogenic. Review status: criteria provided, multiple submitters, no conflicts (2 of 4 stars). 3 submissions from 3 submitters: Pathogenic (1); Likely pathogenic (1). 1 of the submissions does not count toward it. Last evaluated 2025-09-26.

Conditions:
Spongy degeneration of central nervous system. Also called: Canavan disease; AMINOACYLASE 2 DEFICIENCY; ACY2 DEFICIENCY; ASP DEFICIENCY; ASPA DEFICIENCY; ASPARTOACYLASE DEFICIENCY. Identifiers: Orphanet 141, MedGen C0206307, MONDO:0010079, OMIM 271900.

Submissions (3):

Natera, Inc.
Classification: Likely pathogenic for Canavan Disease. Last evaluated: 2025-09-26. Review status: criteria provided, single submitter. Criteria: Natera Variant Classification Schema (03/2026). Collection method: clinical testing. Allele origin: germline.
Comment: The c.827_828delGT variant in ASPA is a frameshift variant predicted to shift the reading frame beginning at codon 276 and leads to a stop codon 9 codons downstream. This variant is expected to result in nonsense mediated decay, truncation, or a dysfunctional protein product. This variant is rare in the general population with a frequency below the threshold expected for the associated phenotype(s). This variant has been observed in one or more individuals affected with the associated recessive disease, as either homozygous or compound heterozygous with a second variant (PMID: 7668285). Given the available evidence, this variant is classified as Likely Pathogenic.

Labcorp Genetics (formerly Invitae), Labcorp
Classification: Pathogenic for Spongy degeneration of central nervous system. Last evaluated: 2021-01-11. Review status: criteria provided, single submitter. Criteria: Invitae Variant Classification Sherloc (09022015). Collection method: clinical testing. Allele origin: germline.
Comment: For these reasons, this variant has been classified as Pathogenic. This variant disrupts the p.Ala305 amino acid residue in ASPA. Other variant(s) that disrupt this residue have been determined to be pathogenic (PMID: 8023850, 22850825, 10909858, 16217711, 22750302, 8023850). This suggests that this residue is clinically significant, and that variants that disrupt this residue are likely to be disease-causing. This variant has been observed in individual(s) with Canavan disease (PMID: 7668285). This variant is also known as 827delGT in the literature. ClinVar contains an entry for this variant (Variation ID: 371202). This variant is not present in population databases (ExAC no frequency). This sequence change creates a premature translational stop signal (p.Cys276Tyrfs*9) in the ASPA gene. While this is not anticipated to result in nonsense mediated decay, it is expected to disrupt the last 38 amino acid(s) of the ASPA protein.

Counsyl
Classification: Likely pathogenic for Spongy degeneration of central nervous system. Last evaluated: 2016-07-26. Review status: no assertion criteria provided. Collection method: clinical testing. Allele origin: unknown. Not counted in ClinVar's aggregate classification.

Literature cited by the submitters: PubMed 7668285 (cited by 3 submitters); PubMed 8023850 (cited by Labcorp Genetics (formerly Invitae), Labcorp); PubMed 22850825 (cited by Labcorp Genetics (formerly Invitae), Labcorp); PubMed 10909858 (cited by Labcorp Genetics (formerly Invitae), Labcorp); PubMed 16217711 (cited by Labcorp Genetics (formerly Invitae), Labcorp); PubMed 22750302 (cited by Labcorp Genetics (formerly Invitae), Labcorp).